The following is an entry in ClinVar:

ClinVar aggregate classification (germline): Uncertain significance (1 of 4 stars; one submission).

Submission:

GeneDx
Classification: Uncertain significance. Last evaluated: 2026-02-05. Review status: criteria provided, single submitter. Criteria: GeneDx Variant Classification Process June 2021. Collection method: clinical testing. Allele origin: germline.
Comment: Not observed at significant frequency in large population cohorts (gnomAD); In silico analysis supports that this missense variant has a deleterious effect on protein structure/function; Has not been previously published as pathogenic or benign to our knowledge

NM_000891.3(KCNJ2):c.446G>A (p.Cys149Tyr)

Gene: KCNJ2 (potassium inwardly rectifying channel subfamily J member 2; plus strand). Cytogenetic location: 17q24.3.
Variant type: single nucleotide variant.
Coding change: c.446G>A on transcript NM_000891.3 (MANE Select); coding-DNA position 446, G replaced by A.
Protein change: p.Cys149Tyr; replaces cysteine 149 with tyrosine.
Molecular consequence: missense variant.
Genome position (GRCh38, 1-based): chr17:70,175,485, G>A. VCF-style: chr17-70175485-G-A. GRCh37 (hg19) VCF-style: chr17-68171626-G-A.
Other names: short protein forms C149Y.
Identifiers: ClinVar variation 4976113 (VCV004976113.1).
Genomic context (GRCh38, chr17:70,175,485, plus strand): 5'-TCACGGCTGCCTTCCTCTTCTCCATTGAGACCCAGACAACCATAGGCTATGGTTTCAGAT[G>A]TGTCACGGATGAATGCCCAATTGCTGTTTTCATGGTGGTGTTCCAGTCAATCGTGGGCTG-3'
Protein context (NP_000882.1, residues 139-159): TQTTIGYGFR[Cys149Tyr]VTDECPIAVF